The following is an entry in ClinVar:

ClinVar aggregate classification (germline): Benign (0 of 4 stars; one submission).

Conditions:
PHF2-related disorder. Also called: PHF2-related condition.

Allele frequency attached by ClinVar (database versions not stated): 1000 Genomes Project 30x 0.00625; 1000 Genomes Project 0.00719; TOPMed 0.00842; ESP Exome Variant Server 0.01007; gnomAD 0.01051; ExAC 0.01101; gnomAD exomes 0.01213.
gnomAD v4.1: 19,315 of 1,613,424 alleles (1.2%); highest among the groups gnomAD compares: Non-Finnish European, 1.2%; 167 homozygotes.

Submission:

PreventionGenetics, part of Exact Sciences
Classification: Benign for PHF2-related condition. Last evaluated: 2019-07-01. Review status: no assertion criteria provided. Collection method: clinical testing. Allele origin: germline.
Comment: This variant is classified as benign based on ACMG/AMP sequence variant interpretation guidelines (Richards et al. 2015 PMID: 25741868, with internal and published modifications).

NM_005392.4(PHF2):c.2519G>A (p.Ser840Asn)

Gene: PHF2 (PHD finger protein 2; plus strand). Cytogenetic location: 9q22.31.
Variant type: single nucleotide variant.
Coding change: c.2519G>A on transcript NM_005392.4 (MANE Select); coding-DNA position 2519, G replaced by A.
Protein change: p.Ser840Asn; replaces serine 840 with asparagine.
Molecular consequence: missense variant.
Genome position (GRCh38, 1-based): chr9:93,673,755, G>A. VCF-style: chr9-93673755-G-A. GRCh37 (hg19) VCF-style: chr9-96436037-G-A.
Other names: short protein forms S840N.
Identifiers: ClinVar variation 3041371 (VCV003041371.2), dbSNP rs41276200, ClinGen allele CA5133015.